The following is an entry in ClinVar:

ClinVar aggregate classification (germline): Conflicting classifications of pathogenicity. Review status: criteria provided, conflicting classifications (1 of 4 stars). 7 submissions from 7 submitters: Pathogenic (1); Uncertain significance (6). Last evaluated 2026-01-25.

Conditions:
Cardiovascular phenotype. Identifiers: MedGen CN230736.
Cardiomyopathy (CMYO). Also called: Cardiomyopathies. Identifiers: Orphanet 167848, MedGen C0878544, MONDO:0004994, HP:0001638. Inheritance: Various modes of inheritance.
Hypertrophic cardiomyopathy. Also called: HYPERTROPHIC MYOCARDIOPATHY. Identifiers: Orphanet 217569, MedGen C0007194, MeSH D002312, MONDO:0005045, HP:0001639.

Allele frequency attached by ClinVar (database versions not stated): TOPMed below 0.00001; gnomAD exomes 0.00001; ExAC 0.00002; ESP Exome Variant Server 0.00008.
gnomAD v4.1: 24 of 1,614,162 alleles (0.0015%); highest among the groups gnomAD compares: Non-Finnish European, 0.0018%; no homozygotes.

Submissions (7):

Labcorp Genetics (formerly Invitae), Labcorp
Classification: Pathogenic for Hypertrophic cardiomyopathy. Last evaluated: 2026-01-25. Review status: criteria provided, single submitter. Criteria: Invitae Variant Classification Sherloc (09022015). Collection method: clinical testing. Allele origin: germline.
Comment: This sequence change replaces arginine, which is basic and polar, with cysteine, which is neutral and slightly polar, at codon 1677 of the MYH7 protein (p.Arg1677Cys). This variant is present in population databases (rs377461670, gnomAD 0.002%). This missense change has been observed in individuals with clinical features of MYH7-related cardiomyopathy (PMID: 27532257, 30924982; internal data). ClinVar contains an entry for this variant (Variation ID: 181270). Invitae Evidence Modeling of protein sequence and biophysical properties (such as structural, functional, and spatial information, amino acid conservation, physicochemical variation, residue mobility, and thermodynamic stability) indicates that this missense variant is expected to disrupt MYH7 protein function with a positive predictive value of 95%. For these reasons, this variant has been classified as Pathogenic.

Ambry Genetics
Classification: Uncertain significance for Cardiovascular phenotype. Last evaluated: 2025-03-29. Review status: criteria provided, single submitter. Criteria: Ambry Variant Classification Scheme 2023. Collection method: clinical testing. Allele origin: germline.
Comment: The p.R1677C variant (also known as c.5029C>T), located in coding exon 33 of the MYH7 gene, results from a C to T substitution at nucleotide position 5029. The arginine at codon 1677 is replaced by cysteine, an amino acid with highly dissimilar properties. This variant was detected in a patient referred for hypertrophic cardiomyopathy genetic testing; however, clinical details were limited (Walsh R et al. Genet Med. 2017;19:192-203). This variant has also been reported in a dilated cardiomyopathy (DCM) cohort (Ware JS et al. J Am Coll Cardiol, 2018 05;71:2293-2302). This alteration was also detected in siblings with left ventricular non-compaction (LVNC) who also carried a nonsense alteration in MYH7 (Kolokotronis K et al. Hum Mutat, 2019 08;40:1101-1114). This amino acid position is highly conserved in available vertebrate species. In addition, this alteration is predicted to be deleterious by in silico analysis. Since supporting evidence is limited at this time, the clinical significance of this alteration remains unclear.

Blueprint Genetics
Classification: Uncertain significance. Last evaluated: 2024-10-09. Review status: criteria provided, single submitter. Criteria: ACMG Guidelines, 2015. Collection method: clinical testing. Allele origin: germline.

Color Diagnostics, LLC DBA Color Health
Classification: Uncertain significance for Cardiomyopathy. Last evaluated: 2023-10-04. Review status: criteria provided, single submitter. Criteria: ACMG Guidelines, 2015. Collection method: clinical testing. Allele origin: germline.
Comment: This missense variant replaces arginine with cysteine at codon 1677 of the MYH7 protein. Computational prediction suggests that this variant may have deleterious impact on protein structure and function (internally defined REVEL score threshold >= 0.7, PMID: 27666373). To our knowledge, functional studies have not been reported for this variant. This variant has been reported in one individual affected with hypertrophic cardiomyopathy (PMID: 27532257). This variant was also reported in one individual affected with dilated cardiomyopathy (PMID: 29773157). This variant has also been reported in compound heterozygous state with p.Gln44* in two siblings affected with left ventricular non-compaction cardiomyopathy (PMID: 30924982). Their parents were heterozygous carriers of either mutation and showed no clinical symptoms. This variant has been identified in 3/251376 chromosomes in the general population by the Genome Aggregation Database (gnomAD). The available evidence is insufficient to determine the role of this variant in disease conclusively. Therefore, this variant is classified as a Variant of Uncertain Significance.

CHEO Genetics Diagnostic Laboratory, Children's Hospital of Eastern Ontario
Classification: Uncertain significance for Cardiomyopathy. Last evaluated: 2021-11-30. Review status: criteria provided, single submitter. Criteria: ACMG Guidelines, 2015. Collection method: clinical testing. Allele origin: germline.

Women's Health and Genetics/Laboratory Corporation of America, LabCorp
Classification: Uncertain significance. Last evaluated: 2021-01-14. Review status: criteria provided, single submitter. Criteria: LabCorp Variant Classification Summary - May 2015. Collection method: clinical testing. Allele origin: germline.
Comment: Variant summary: MYH7 c.5029C>T (p.Arg1677Cys) results in a non-conservative amino acid change located in the Myosin tail domain (IPR002928) of the encoded protein sequence. Five of five in-silico tools predict a damaging effect of the variant on protein function. The variant allele was found at a frequency of 1.2e-05 in 251376 control chromosomes (gnomAD). The available data on variant occurrences in the general population are insufficient to allow any conclusion about variant significance. c.5029C>T has been reported in the literature in individuals affected with Cardiomyopathy (Kolokotronis_2019, Walsh_2016, Ware_2018). These reports however, do not provide unequivocal conclusions about association of the variant with Cardiomyopathy. To our knowledge, no experimental evidence demonstrating an impact on protein function has been reported. Three ClinVar submitters (evaluation after 2014) cite the variant as uncertain significance. Based on the evidence outlined above, the variant was classified as uncertain significance.

GeneDx
Classification: Uncertain significance. Last evaluated: 2020-07-21. Review status: criteria provided, single submitter. Criteria: GeneDx Variant Classification Process June 2021. Collection method: clinical testing. Allele origin: germline. Affected: yes.
Comment: Reported in two children with left ventricular non-compaction cardiomyopathy who also had a novel MYH7 Q44X variant in trans, the parent harboring R1677C had mild septal hypertrophy (Kolokotronis et al., 2019) and in a patient referred for HCM genetic testing (Walsh et al., 2017); Not observed at a significant frequency in large population cohorts (Lek et al., 2016); In silico analysis, which includes protein predictors and evolutionary conservation, supports a deleterious effect This variant is associated with the following publications: (PMID: 30924982, 21750094, 27532257)

Literature cited by the submitters: PubMed 27532257 (cited by 4 submitters); PubMed 30924982 (cited by 4 submitters); PubMed 21750094 (cited by Ambry Genetics); PubMed 29773157 (cited by 3 submitters).

NM_000257.4(MYH7):c.5029C>T (p.Arg1677Cys)

Genes: MHRT (myosin heavy chain associated RNA transcript; plus strand), MYH7 (myosin heavy chain 7; minus strand), LOC126861897 (BRD4-independent group 4 enhancer GRCh37_chr14:23884455-23885654; plus strand). Cytogenetic location: 14q11.2.
Variant type: single nucleotide variant.
Coding change: c.5029C>T on transcript NM_000257.4 (MANE Select); coding-DNA position 5029, C replaced by T.
Protein change: p.Arg1677Cys; replaces arginine 1677 with cysteine.
Molecular consequence: missense variant. On other transcripts: non-coding transcript variant (1).
Genome position (GRCh38, 1-based): chr14:23,415,757, G>A on the plus strand (C>T on the coding strand, the complement: MYH7 is on the minus strand). VCF-style: chr14-23415757-G-A. GRCh37 (hg19) VCF-style: chr14-23884966-G-A.
Other names: p.R1677C:CGC>TGC; c.5029C>T (LRG_384t1); short protein forms R1677C.
Identifiers: ClinVar variation 181270 (VCV000181270.23), dbSNP rs377461670, ClinGen allele CA015584.
Genomic context (GRCh38, chr14:23,415,757, plus strand): 5'-GCTCTGTCTGCTCCACCACGGCACGCAACTCCTCCAGCTCAGCCTGCAGCAGGTTGTTGC[G>A]CCGCTCCACGATGGCGATGTTCTCCTTCAGGTCGTCGTTGGCACGGACTGCATCGTCCAG-3'
Protein context (NP_000248.2, residues 1667-1687): LKENIAIVER[Arg1677Cys]NNLLQAELEE